The following is an entry in ClinVar:

NM_021870.3(FGG):c.677G>T (p.Gly226Val)

Gene: FGG (fibrinogen gamma chain; minus strand). Cytogenetic location: 4q32.1.
Variant type: single nucleotide variant.
Coding change: c.677G>T on transcript NM_021870.3 (MANE Select); coding-DNA position 677, G replaced by T.
Protein change: p.Gly226Val; replaces glycine 226 with valine.
Molecular consequence: missense variant.
Genome position (GRCh38, 1-based): chr4:154,608,640, C>A on the plus strand (G>T on the coding strand, the complement: FGG is on the minus strand). VCF-style: chr4-154608640-C-A. GRCh37 (hg19) VCF-style: chr4-155529792-C-A.
Other names: p.Gly226Val; c.677G>T, p.Gly226Val (NM_000509.6); c.677G>T (NM_000509.5, NM_000509.4); short protein forms G226V.
Identifiers: ClinVar variation 626936 (VCV000626936.6), dbSNP rs1310452604, ClinGen allele CA358536557.

ClinVar aggregate classification (germline): Conflicting classifications of pathogenicity. Review status: criteria provided, conflicting classifications (1 of 4 stars). 4 submissions from 4 submitters: Likely pathogenic (3); Uncertain significance (1). Last evaluated 2026-04-08.

Conditions:
Hypofibrinogenemia. Identifiers: MedGen C0553681, HP:0011900.
Familial dysfibrinogenemia. Also called: Dysfibrinogenemia, congenital. Identifiers: Orphanet 335, Orphanet 98881, MedGen C0272350, MONDO:0014452, OMIM 616004.

Allele frequency attached by ClinVar (database versions not stated): gnomAD exomes below 0.00001; gnomAD 0.00001; TOPMed 0.00001.
gnomAD v4.1: 5 of 1,611,296 alleles (0.00031%); highest among the groups gnomAD compares: Non-Finnish European, 0.00017%; no homozygotes.

Submissions (4):

Women's Health and Genetics/Laboratory Corporation of America, LabCorp
Classification: Likely pathogenic for Familial dysfibrinogenemia. Last evaluated: 2026-04-08. Review status: criteria provided, single submitter. Criteria: LabCorp Variant Classification Summary - May 2015. Collection method: clinical testing. Allele origin: germline.
Comment: Variant summary: FGG c.677G>T (p.Gly226Val) results in a non-conservative amino acid change located in the Fibrinogen, alpha/beta/gamma chain, C-terminal globular domain (IPR002181) of the encoded protein sequence. Algorithms developed to predict the effect of missense changes on protein structure and function all suggest that this variant is likely to be disruptive. The variant allele was found at a frequency of 4e-06 in 249092 control chromosomes (gnomAD). c.677G>T has been reported in the literature in individuals affected with coagulation disorders including hypofibrinogenemia (Davis_2007, Downes_2019, Stefanucci_2023). These data indicate that the variant is likely to be associated with disease. To our knowledge, no experimental evidence demonstrating an impact on protein function has been reported. The following publications have been ascertained in the context of this evaluation (PMID: 17650452, 31064749, 37647632). ClinVar contains an entry for this variant (Variation ID: 626936). Based on the evidence outlined above, the variant was classified as likely pathogenic.

GeneDx
Classification: Uncertain significance. Last evaluated: 2025-06-12. Review status: criteria provided, single submitter. Criteria: GeneDx Variant Classification Process June 2021. Collection method: clinical testing. Allele origin: germline. Affected: yes.
Comment: Reported in a proband and mother who were both reported to have hypofibronogenemia; reported as G200V using alternate nomenclature (PMID: 17650452); In silico analysis supports that this missense variant has a deleterious effect on protein structure/function; In silico analysis suggests this variant may impact gene splicing. In the absence of RNA/functional studies, the actual effect of this sequence change is unknown.; This variant is associated with the following publications: (PMID: 31064749, 33260935, 37647632, 17650452)

Mayo Clinic Laboratories, Mayo Clinic
Classification: Likely pathogenic. Last evaluated: 2025-02-10. Review status: criteria provided, single submitter. Criteria: ACMG Guidelines, 2015. Collection method: clinical testing. Allele origin: germline. Observed: 2 variant alleles.
Comment: PP3_moderate, PP4_strong, PM2_supporting

NIHR Bioresource Rare Diseases, University of Cambridge
Classification: Likely pathogenic for Hypofibrinogenemia. Last evaluated: 2019-02-01. Review status: criteria provided, single submitter. Criteria: ACMG Guidelines, 2015. Collection method: research. Allele origin: unknown. Affected: yes. Observed: 2 heterozygotes. Study: ThromboGenomics.

Literature cited by the submitters: PubMed 31064749 (cited by Women's Health and Genetics/Laboratory Corporation of America, LabCorp and NIHR Bioresource Rare Diseases, University of Cambridge); PubMed 17650452 (cited by Women's Health and Genetics/Laboratory Corporation of America, LabCorp and Mayo Clinic Laboratories, Mayo Clinic); PubMed 37647632 (cited by Women's Health and Genetics/Laboratory Corporation of America, LabCorp).